The following is an entry in ClinVar:

ClinVar aggregate classification (germline): Benign/Likely benign. Review status: criteria provided, multiple submitters, no conflicts (2 of 4 stars). 8 submissions from 8 submitters: Benign (4); Likely benign (3). 1 of the submissions does not count toward it. Last evaluated 2026-02-02.

Conditions:
Inborn genetic diseases. Identifiers: MedGen C0950123, MeSH D030342.
Cohen syndrome (COH1). Also called: PEPPER SYNDROME; Cutis verticis gyrata, retinitis pigmentosa, and sensorineural deafness. Identifiers: Orphanet 193, MedGen C0265223, MONDO:0008999, OMIM 216550.

Allele frequency attached by ClinVar (database versions not stated): gnomAD exomes 0.00055 and 0.00140; ExAC 0.00188; 1000 Genomes Project 0.00619; 1000 Genomes Project 30x 0.00625; ESP Exome Variant Server 0.00630; gnomAD 0.00639 and 0.00688; TOPMed 0.00690.
gnomAD v4.1: 1,804 of 1,613,366 alleles (0.11%); highest among the groups gnomAD compares: African/African-American, 2.1%; 12 homozygotes.

Submissions (8):

Labcorp Genetics (formerly Invitae), Labcorp
Classification: Benign for Cohen syndrome. Last evaluated: 2026-02-02. Review status: criteria provided, single submitter. Criteria: Invitae Variant Classification Sherloc (09022015). Collection method: clinical testing. Allele origin: germline.

Women's Health and Genetics/Laboratory Corporation of America, LabCorp
Classification: Likely benign. Last evaluated: 2026-01-23. Review status: criteria provided, single submitter. Criteria: LabCorp Variant Classification Summary - May 2015. Collection method: clinical testing. Allele origin: germline.

Mayo Clinic Laboratories, Mayo Clinic
Classification: Benign. Last evaluated: 2020-03-26. Review status: criteria provided, single submitter. Criteria: ACMG Guidelines, 2015. Collection method: clinical testing. Allele origin: germline. Observed: 13 variant alleles.

GeneDx
Classification: Benign. Last evaluated: 2019-04-26. Review status: criteria provided, single submitter. Criteria: GeneDx Variant Classification Process June 2021. Collection method: clinical testing. Allele origin: germline. Affected: yes.

Illumina Laboratory Services, Illumina
Classification: Benign for Cohen syndrome. Last evaluated: 2018-01-13. Review status: criteria provided, single submitter. Criteria: ICSL Variant Classification Criteria 13 December 2019. Collection method: clinical testing. Allele origin: germline.
Comment: This variant was observed in the ICSL laboratory as part of a predisposition screen in an ostensibly healthy population. It had not been previously curated by ICSL or reported in the Human Gene Mutation Database (HGMD: prior to June 1st, 2018), and was therefore a candidate for classification through an automated scoring system. Utilizing variant allele frequency, disease prevalence and penetrance estimates, and inheritance mode, an automated score was calculated to assess if this variant is too frequent to cause the disease. Based on the score and internal cut-off values, a variant classified as benign is not then subjected to further curation. The score for this variant resulted in a classification of benign for this disease.

Ambry Genetics
Classification: Likely benign for Inborn genetic diseases. Last evaluated: 2017-01-17. Review status: criteria provided, single submitter. Criteria: Ambry Variant Classification Scheme 2023. Collection method: clinical testing. Allele origin: germline.

Breakthrough Genomics
Classification: Likely benign. Review status: criteria provided, single submitter. Criteria: ACMG Guidelines, 2015. Collection method: not provided. Allele origin: germline. Inheritance: Autosomal recessive inheritance. Affected: yes.

Natera, Inc.
Classification: Benign for Cohen syndrome. Last evaluated: 2019-12-06. Review status: no assertion criteria provided. Collection method: clinical testing. Allele origin: germline. Not counted in ClinVar's aggregate classification.

NM_152564.5(VPS13B):c.1536A>G (p.Glu512=)

Gene: VPS13B (vacuolar protein sorting 13 homolog B; plus strand). Cytogenetic location: 8q22.2.
Variant type: single nucleotide variant.
Coding change: c.1536A>G on transcript NM_152564.5 (MANE Select); coding-DNA position 1536, A replaced by G.
Protein change: p.Glu512=; no amino-acid change (glutamic acid 512 retained).
Molecular consequence: synonymous variant.
Genome position (GRCh38, 1-based): chr8:99,135,706, A>G. VCF-style: chr8-99135706-A-G. GRCh37 (hg19) VCF-style: chr8-100147934-A-G.
Other names: p.Glu512=; c.1536A>G, p.Glu512= (NM_015243.3, NM_017890.5).
Identifiers: ClinVar variation 528866 (VCV000528866.64), dbSNP rs145969836, ClinGen allele CA4822649.
Genomic context (GRCh38, chr8:99,135,706, plus strand): 5'-ATACCTTACAAATTCATTGTTTGATTACCGAAGCCCAGAAAATAATGGTACTCGCGCAGA[A>G]TTTATCTTGGATTCAACTCATCATAAGGTTAGAGAATATATATTTGAACCAAATTCTAGG-3'
Protein context (NP_689777.3, residues 502-522): RSPENNGTRA[Glu512=]FILDSTHHKE